The following is an entry in ClinVar:

ClinVar aggregate classification (germline): Uncertain significance (1 of 4 stars; one submission).

Allele frequency attached by ClinVar (database versions not stated): gnomAD exomes 0.00001 and 0.00003; ExAC 0.00004; gnomAD 0.00010 and 0.00011; TOPMed 0.00010; ESP Exome Variant Server 0.00023.
gnomAD v4.1: 26 of 1,613,978 alleles (0.0016%); highest among the groups gnomAD compares: African/African-American, 0.031%; no homozygotes.

Submission:

Labcorp Genetics (formerly Invitae), Labcorp
Classification: Uncertain significance. Last evaluated: 2025-02-25. Review status: criteria provided, single submitter. Criteria: Invitae Variant Classification Sherloc (09022015). Collection method: clinical testing. Allele origin: germline.
Comment: This sequence change replaces threonine, which is neutral and polar, with alanine, which is neutral and non-polar, at codon 585 of the VCAN protein (p.Thr585Ala). This variant is present in population databases (rs141074913, gnomAD 0.03%). This variant has not been reported in the literature in individuals affected with VCAN-related conditions. ClinVar contains an entry for this variant (Variation ID: 1351093). An algorithm developed to predict the effect of missense changes on protein structure and function (PolyPhen-2) suggests that this variant is likely to be disruptive. In summary, the available evidence is currently insufficient to determine the role of this variant in disease. Therefore, it has been classified as a Variant of Uncertain Significance.

NM_004385.5(VCAN):c.1753A>G (p.Thr585Ala)

Gene: VCAN (versican; plus strand). Cytogenetic location: 5q14.3.
Variant type: single nucleotide variant.
Coding change: c.1753A>G on transcript NM_004385.5 (MANE Select); coding-DNA position 1753, A replaced by G.
Protein change: p.Thr585Ala; replaces threonine 585 with alanine.
Molecular consequence: missense variant. On other transcripts: intron variant (2).
Genome position (GRCh38, 1-based): chr5:83,520,059, A>G. VCF-style: chr5-83520059-A-G. GRCh37 (hg19) VCF-style: chr5-82815878-A-G.
Other names: c.1753A>G, p.Thr585Ala (NM_001164098.2); c.1042+7663A>G (NM_001164097.2, NM_001126336.3); short protein forms T585A.
Identifiers: ClinVar variation 1351093 (VCV001351093.8), dbSNP rs141074913, ClinGen allele CA3332724.